The following is an entry in ClinVar:

ClinVar aggregate classification (germline): Uncertain significance (1 of 4 stars; one submission).

Submission:

Labcorp Genetics (formerly Invitae), Labcorp
Classification: Uncertain significance. Last evaluated: 2025-07-14. Review status: criteria provided, single submitter. Criteria: Invitae Variant Classification Sherloc (09022015). Collection method: clinical testing. Allele origin: germline.
Comment: This sequence change creates a premature translational stop signal (p.Gln453*) in the ALPK1 gene. It is expected to result in an absent or disrupted protein product. However, the current clinical and genetic evidence is not sufficient to establish whether loss-of-function variants in ALPK1 cause disease. This variant is not present in population databases (gnomAD no frequency). This variant has not been reported in the literature in individuals affected with ALPK1-related conditions. In summary, the available evidence is currently insufficient to determine the role of this variant in disease. Therefore, it has been classified as a Variant of Uncertain Significance.

NM_025144.4(ALPK1):c.1357C>T (p.Gln453Ter)

Gene: ALPK1 (alpha kinase 1; plus strand). Cytogenetic location: 4q25.
Variant type: single nucleotide variant.
Coding change: c.1357C>T on transcript NM_025144.4 (MANE Select); coding-DNA position 1357, C replaced by T.
Protein change: p.Gln453Ter; replaces glutamine 453 with a stop codon.
Molecular consequence: nonsense.
Genome position (GRCh38, 1-based): chr4:112,430,904, C>T. VCF-style: chr4-112430904-C-T. GRCh37 (hg19) VCF-style: chr4-113352060-C-T.
Other names: c.1357C>T, p.Gln453Ter (NM_001102406.2); c.1123C>T, p.Gln375Ter (NM_001253884.2); short protein forms Q453*, Q375*.
Identifiers: ClinVar variation 4722973 (VCV004722973.1).
Genomic context (GRCh38, chr4:112,430,904, plus strand): 5'-GTTCCCGAGAGTTTCGAGTGCAGGTTGGATAAACTTATCTTGCATGGGCAAGGGGATTTC[C>T]AAAAAATCCTTGACACCTATTCACAGCACCATACTTCGGTGTGTGAAGTATTTGAAAGTG-3'